The following is an entry in ClinVar:

NM_000548.5(TSC2):c.721G>A (p.Val241Ile)

Gene: TSC2 (TSC complex subunit 2; plus strand). Cytogenetic location: 16p13.3.
Variant type: single nucleotide variant.
Coding change: c.721G>A on transcript NM_000548.5 (MANE Select); coding-DNA position 721, G replaced by A.
Protein change: p.Val241Ile; replaces valine 241 with isoleucine.
Molecular consequence: missense variant.
Genome position (GRCh38, 1-based): chr16:2,056,716, G>A. VCF-style: chr16-2056716-G-A. GRCh37 (hg19) VCF-style: chr16-2106717-G-A.
Other names: c.721G>A (NM_000548.4); c.721G>A, p.Val241Ile (NM_001077183.3, NM_001114382.3, NM_001363528.2 and 3 more transcripts); c.610G>A, p.Val204Ile (NM_001318827.2); c.574G>A, p.Val192Ile (NM_001318829.2); c.121G>A, p.Val41Ile (NM_001318831.2); c.754G>A, p.Val252Ile (NM_001318832.2); short protein forms V241I, V41I, V192I, V204I, V252I.
Identifiers: ClinVar variation 389984 (VCV000389984.25), dbSNP rs200943828, ClinGen allele CA056228.

ClinVar aggregate classification (germline): Benign/Likely benign. Review status: criteria provided, multiple submitters, no conflicts (2 of 4 stars). 11 submissions from 11 submitters: Benign (3); Likely benign (8). Last evaluated 2026-09-08.

Conditions:
TSC2-related disorder. Also called: TSC2-related condition; TSC2-Related Disorders.
Hereditary cancer-predisposing syndrome. Also called: Neoplastic Syndromes, Hereditary; Tumor predisposition; Hereditary Cancer Syndrome; Hereditary neoplastic syndrome. Identifiers: Orphanet 140162, MedGen C0027672, MeSH D009386, MONDO:0015356.
Tuberous sclerosis syndrome (TSC). Also called: Tuberous Sclerosis Complex; Tuberous sclerosis. Identifiers: Orphanet 805, MedGen C0041341, MONDO:0001734.
Tuberous sclerosis 2 (TSC2). Identifiers: Orphanet 805, MedGen C1860707, MONDO:0013199, OMIM 613254.
Intellectual disability. Also called: Intellectual functioning disability; intellectual disabilities; Intellectual developmental disorder. Identifiers: MedGen C3714756, MeSH D008607, MONDO:0001071, HP:0001249.

Allele frequency attached by ClinVar (database versions not stated): gnomAD 0.00002 and 0.00003; TOPMed 0.00002; gnomAD exomes 0.00005; ExAC 0.00007; ESP Exome Variant Server 0.00008; 1000 Genomes Project 30x 0.00016; 1000 Genomes Project 0.00020.

Submissions (11):

PreventionGenetics, part of Exact Sciences
Classification: Likely benign for TSC2-related condition. Last evaluated: 2026-09-08. Review status: criteria provided, single submitter. Criteria: ACMG Guidelines, 2015. Collection method: clinical testing. Allele origin: germline.
Comment: This variant is classified as likely benign based on ACMG/AMP sequence variant interpretation guidelines (Richards et al. 2015 PMID: 25741868, with internal and published modifications).

Labcorp Genetics (formerly Invitae), Labcorp
Classification: Benign for Tuberous sclerosis 2. Last evaluated: 2026-02-03. Review status: criteria provided, single submitter. Criteria: Invitae Variant Classification Sherloc (09022015). Collection method: clinical testing. Allele origin: germline.

Myriad Genetics, Inc.
Classification: Likely benign for Tuberous sclerosis 2. Last evaluated: 2025-05-09. Review status: criteria provided, single submitter. Criteria: Myriad Autosomal Dominant, Autosomal Recessive and X-Linked Classification Criteria (2023). Collection method: clinical testing. Allele origin: unknown.
Comment: This variant is considered likely benign. This variant has been observed at a population frequency that is significantly greater than expected given the associated disease prevalence and penetrance.

All of Us Research Program, National Institutes of Health
Classification: Likely benign for Tuberous sclerosis syndrome. Last evaluated: 2023-12-15. Review status: criteria provided, single submitter. Criteria: ACMG Guidelines, 2015. Collection method: clinical testing. Allele origin: germline. Inheritance: Autosomal dominant inheritance. Observed: 10 variant alleles, 10 heterozygotes.
Comment: This study involves interpretation of variants in research participants for the purpose of population health screening. Participant phenotype was not available at the time of variant classification. Additional details can be found in publication PMID: 35346344, PMCID: PMC8962531

Color Diagnostics, LLC DBA Color Health
Classification: Likely benign for Tuberous sclerosis syndrome. Last evaluated: 2022-08-16. Review status: criteria provided, single submitter. Criteria: ACMG Guidelines, 2015. Collection method: clinical testing. Allele origin: germline.

Women's Health and Genetics/Laboratory Corporation of America, LabCorp
Classification: Likely benign. Last evaluated: 2021-11-26. Review status: criteria provided, single submitter. Criteria: LabCorp Variant Classification Summary - May 2015. Collection method: clinical testing. Allele origin: germline.
Comment: Variant summary: TSC2 c.721G>A (p.Val241Ile) results in a conservative amino acid change in the encoded protein sequence. Five of five in-silico tools predict a benign effect of the variant on protein function. The variant allele was found at a frequency of 5.2e-05 in 250168 control chromosomes (gnomAD v2.1 exomes dataset). This frequency is somewhat lower than the maximum expected for a pathogenic variant in TSC2 causing Tuberous Sclerosis Complex phenotype (6.9e-05), however in certain subpopulations the variant occurs with even higher allele frequencies, suggesting that it can be a benign polymorphism. To our knowledge, no occurrence of c.721G>A in individuals affected with Tuberous Sclerosis Complex and no experimental evidence demonstrating its impact on protein function have been reported. Three clinical diagnostic laboratories have submitted clinical-significance assessments for this variant to ClinVar after 2014 without evidence for independent evaluation. All laboratories classified the variant as benign (n=1) / likely benign (n=2). Based on the evidence outlined above, the variant was classified as likely benign.

Genome-Nilou Lab
Classification: Benign for Tuberous sclerosis 2. Last evaluated: 2021-11-07. Review status: criteria provided, single submitter. Criteria: ACMG Guidelines, 2015. Collection method: clinical testing. Allele origin: germline. Affected: no.

Sema4
Classification: Likely benign for Hereditary cancer-predisposing syndrome. Last evaluated: 2021-06-27. Review status: criteria provided, single submitter. Criteria: Sema4 Curation Guidelines. Collection method: curation. Allele origin: germline.

Cambridge Genomics Laboratory, East Genomic Laboratory Hub, NHS Genomic Medicine Service
Classification: Benign for Intellectual disability. Last evaluated: 2020-03-20. Review status: criteria provided, single submitter. Criteria: ACGS Best Practice Guidelines for Variant Classification in Rare Disease 2020. Collection method: clinical testing. Allele origin: germline. Affected: yes. Observed: 1 variant allele.

GeneDx
Classification: Likely benign. Last evaluated: 2019-06-05. Review status: criteria provided, single submitter. Criteria: GeneDx Variant Classification Process June 2021. Collection method: clinical testing. Allele origin: germline. Affected: yes.

Ambry Genetics
Classification: Likely benign for Hereditary cancer-predisposing syndrome. Last evaluated: 2019-01-23. Review status: criteria provided, single submitter. Criteria: Ambry Variant Classification Scheme 2023. Collection method: clinical testing. Allele origin: germline.

Literature cited by the submitters: PubMed 32193183 (cited by Women's Health and Genetics/Laboratory Corporation of America, LabCorp).